The following is an entry in ClinVar:

NM_006979.3(SLC39A7):c.734G>T (p.Gly245Val)

Gene: SLC39A7 (solute carrier family 39 member 7; plus strand). Cytogenetic location: 6p21.32.
Variant type: single nucleotide variant.
Coding change: c.734G>T on transcript NM_006979.3 (MANE Select); coding-DNA position 734, G replaced by T.
Protein change: p.Gly245Val; replaces glycine 245 with valine.
Molecular consequence: missense variant.
Genome position (GRCh38, 1-based): chr6:33,202,362, G>T. VCF-style: chr6-33202362-G-T. GRCh37 (hg19) VCF-style: chr6-33170139-G-T.
Other names: c.734G>T, p.Gly245Val (NM_001077516.2); c.359G>T, p.Gly120Val (NM_001288777.2); short protein forms G245V, G120V.
Identifiers: ClinVar variation 4715765 (VCV004715765.1).

ClinVar aggregate classification (germline): Uncertain significance (1 of 4 stars; one submission).

Submission:

Labcorp Genetics (formerly Invitae), Labcorp
Classification: Uncertain significance. Last evaluated: 2025-03-28. Review status: criteria provided, single submitter. Criteria: Invitae Variant Classification Sherloc (09022015). Collection method: clinical testing. Allele origin: germline.
Comment: This sequence change replaces glycine, which is neutral and non-polar, with valine, which is neutral and non-polar, at codon 245 of the SLC39A7 protein (p.Gly245Val). This variant is not present in population databases (gnomAD no frequency). This variant has not been reported in the literature in individuals affected with SLC39A7-related conditions. An algorithm developed to predict the effect of missense changes on protein structure and function (PolyPhen-2) suggests that this variant is likely to be disruptive. In summary, the available evidence is currently insufficient to determine the role of this variant in disease. Therefore, it has been classified as a Variant of Uncertain Significance.